The following is an entry in ClinVar:

ClinVar aggregate classification (germline): Benign (1 of 4 stars; one submission).

Conditions:
Cataract 5 multiple types (CTRCT5). Also called: Lamellar cataract; CATARACT 5, LAMELLAR; CATARACT, MARNER TYPE. Identifiers: Orphanet 91492, MedGen C0266537, MONDO:0007290, OMIM 116800, HP:0007971.

Allele frequency attached by ClinVar (database versions not stated): gnomAD exomes 0.00027 and 0.00022; ExAC 0.00049; gnomAD 0.00024; TOPMed 0.00012.
gnomAD v4.1: 343 of 1,594,736 alleles (0.022%); highest among the groups gnomAD compares: Non-Finnish European, 0.025%; no homozygotes.

Submission:

Illumina Laboratory Services, Illumina
Classification: Benign for Cataract 5 multiple types. Last evaluated: 2018-01-13. Review status: criteria provided, single submitter. Criteria: ICSL Variant Classification Criteria 13 December 2019. Collection method: clinical testing. Allele origin: germline.
Comment: This variant was observed in the ICSL laboratory as part of a predisposition screen in an ostensibly healthy population. It had not been previously curated by ICSL or reported in the Human Gene Mutation Database (HGMD: prior to June 1st, 2018), and was therefore a candidate for classification through an automated scoring system. Utilizing variant allele frequency, disease prevalence and penetrance estimates, and inheritance mode, an automated score was calculated to assess if this variant is too frequent to cause the disease. Based on the score and internal cut-off values, a variant classified as benign is not then subjected to further curation. The score for this variant resulted in a classification of benign for this disease.

NM_001538.3(HSF4):c.-622G>C

Genes: FBXL8 (F-box and leucine rich repeat protein 8; plus strand), HSF4 (heat shock transcription factor 4; plus strand). Cytogenetic location: 16q22.1.
Variant type: single nucleotide variant.
Coding change: c.-622G>C on transcript NM_001538.3; 622 bases upstream of the start codon, G replaced by C.
Molecular consequence: missense variant (on NM_018378.3).
Genome position (GRCh38, 1-based): chr16:67,163,728, G>C. VCF-style: chr16-67163728-G-C. GRCh37 (hg19) VCF-style: chr16-67197631-G-C.
Other names: c.1033G>C, p.Asp345His (NM_018378.3); short protein forms D345H.
Identifiers: ClinVar variation 320167 (VCV000320167.7), dbSNP rs200404151, ClinGen allele CA8101599.